The following is an entry in ClinVar:

NM_000458.4(HNF1B):c.374T>C (p.Ile125Thr)

Gene: HNF1B (HNF1 homeobox B; minus strand). Cytogenetic location: 17q12.
Variant type: single nucleotide variant.
Coding change: c.374T>C on transcript NM_000458.4 (MANE Select); coding-DNA position 374, T replaced by C.
Protein change: p.Ile125Thr; replaces isoleucine 125 with threonine.
Molecular consequence: missense variant.
Genome position (GRCh38, 1-based): chr17:37,739,610, A>G on the plus strand (T>C on the coding strand, the complement: HNF1B is on the minus strand). VCF-style: chr17-37739610-A-G. GRCh37 (hg19) VCF-style: chr17-36099601-A-G.
Other names: c.374T>C, p.Ile125Thr (NM_001165923.4, NM_001304286.2); short protein forms I125T.
Identifiers: ClinVar variation 635707 (VCV000635707.1), dbSNP rs2147575564, ClinGen allele CA398751691.

ClinVar aggregate classification (germline): Pathogenic (1 of 4 stars; one submission).

Conditions:
Renal cysts and diabetes syndrome (RCAD). Also called: Familial hypoplastic, glomerulocystic kidney; MATURITY-ONSET DIABETES OF THE YOUNG, TYPE 5. Identifiers: Orphanet 93111, MedGen C0431693, MONDO:0007669, OMIM 137920.

Submission:

Institute of Human Genetics, FAU Erlangen, Friedrich-Alexander-Universität Erlangen-Nürnberg
Classification: Pathogenic for Renal cysts and diabetes syndrome. Last evaluated: 2019-07-06. Review status: criteria provided, single submitter. Criteria: ACMG Guidelines, 2015. Collection method: literature only. Allele origin: germline. Affected: yes.
Comment: This variant and it's classification has been reported by Vasileiou et al. 2019; DOI:10.1101/576918. The variants has previously been reported in PMID:25700310; PMID:22432796; PMID:25536396 as "c.374T>C; c.374T>C" with clinical significance Pathogenic. It has been re-classified using InterVar and manual curation as Pathogenic based on PS2 PM1 PM2 PP3 PP5.

Literature cited by the submitters: PubMed 25700310; PubMed 22432796; PubMed 25536396; DOI 10.1101/576918.